The following is an entry in ClinVar:

ClinVar aggregate classification (germline): Uncertain significance (1 of 4 stars; one submission).

Conditions:
Hereditary cancer-predisposing syndrome. Also called: Neoplastic Syndromes, Hereditary; Tumor predisposition; Hereditary Cancer Syndrome; Hereditary neoplastic syndrome. Identifiers: Orphanet 140162, MedGen C0027672, MeSH D009386, MONDO:0015356.

Submission:

Ambry Genetics
Classification: Uncertain significance for Hereditary cancer-predisposing syndrome. Last evaluated: 2026-05-29. Review status: criteria provided, single submitter. Criteria: Ambry Variant Classification Scheme 2023. Collection method: clinical testing. Allele origin: germline.
Comment: The p.G14A variant (also known as c.41G>C), located in coding exon 1 of the VHL gene, results from a G to C substitution at nucleotide position 41. The glycine at codon 14 is replaced by alanine, an amino acid with similar properties. This amino acid position is well conserved in available vertebrate species. In addition, this alteration is predicted to be tolerated by in silico analysis. Based on the available evidence, the clinical significance of this variant remains unclear.

NM_000551.4(VHL):c.41G>C (p.Gly14Ala)

Gene: VHL (von Hippel-Lindau tumor suppressor; plus strand). Cytogenetic location: 3p25.3.
Variant type: single nucleotide variant.
Coding change: c.41G>C on transcript NM_000551.4 (MANE Select); coding-DNA position 41, G replaced by C.
Protein change: p.Gly14Ala; replaces glycine 14 with alanine.
Molecular consequence: missense variant. On other transcripts: non-coding transcript variant (1).
Genome position (GRCh38, 1-based): chr3:10,141,888, G>C. VCF-style: chr3-10141888-G-C. GRCh37 (hg19) VCF-style: chr3-10183572-G-C.
Other names: c.41G>C, p.Gly14Ala (NM_001354723.2, NM_198156.3); short protein forms G14A.
Identifiers: ClinVar variation 4866421 (VCV004866421.1).